The following is an entry in ClinVar:

NM_016292.3(TRAP1):c.1484G>A (p.Arg495His)

Genes: DNASE1 (deoxyribonuclease 1; plus strand), TRAP1 (TNF receptor associated protein 1; minus strand). Cytogenetic location: 16p13.3.
Variant type: single nucleotide variant.
Coding change: c.1484G>A on transcript NM_016292.3 (MANE Select); coding-DNA position 1484, G replaced by A.
Protein change: p.Arg495His; replaces arginine 495 with histidine.
Molecular consequence: missense variant. On other transcripts: 3 prime UTR variant (1).
Genome position (GRCh38, 1-based): chr16:3,664,359, C>T on the plus strand (G>A on the coding strand, the complement: TRAP1 is on the minus strand). VCF-style: chr16-3664359-C-T. GRCh37 (hg19) VCF-style: chr16-3714360-C-T.
Other names: c.1325G>A, p.Arg442His (NM_001272049.2); c.*1735C>T (NM_001387140.1); short protein forms R442H, R495H.
Identifiers: ClinVar variation 1308266 (VCV001308266.7), dbSNP rs746111043, ClinGen allele CA7868062.

ClinVar aggregate classification (germline): Uncertain significance. Review status: criteria provided, multiple submitters, no conflicts (2 of 4 stars). 2 submissions from 2 submitters: Uncertain significance (2). Last evaluated 2022-03-16.

Allele frequency attached by ClinVar (database versions not stated): TOPMed 0.00003; gnomAD 0.00003.
gnomAD v4.1: 84 of 1,612,232 alleles (0.0052%); highest among the groups gnomAD compares: Admixed American, 0.035%; no homozygotes.

Submissions (2):

Ambry Genetics
Classification: Uncertain significance. Last evaluated: 2022-03-16. Review status: criteria provided, single submitter. Criteria: Ambry Variant Classification Scheme 2023. Collection method: clinical testing. Allele origin: germline.

GeneDx
Classification: Uncertain significance. Last evaluated: 2019-03-28. Review status: criteria provided, single submitter. Criteria: GeneDx Variant Classification Process June 2021. Collection method: clinical testing. Allele origin: germline. Affected: yes.
Comment: In silico analysis, which includes protein predictors and evolutionary conservation, supports a deleterious effect; Has not been previously published as pathogenic or benign to our knowledge